The following is an entry in ClinVar:

ClinVar aggregate classification (germline): Uncertain significance (1 of 4 stars; one submission).

Submission:

GeneDx
Classification: Uncertain significance. Last evaluated: 2025-05-06. Review status: criteria provided, single submitter. Criteria: GeneDx Variant Classification Process June 2021. Collection method: clinical testing. Allele origin: germline. Affected: yes.
Comment: In silico analysis supports a deleterious effect on splicing; Not observed at significant frequency in large population cohorts (gnomAD); Has not been previously published as pathogenic or benign to our knowledge; This variant is associated with the following publications: (PMID: 22335739, 32778822)

NM_001267550.2(TTN):c.50551+4_50551+7del

Genes: TTN (titin; minus strand), TTN-AS1 (TTN antisense RNA 1; plus strand). Cytogenetic location: 2q31.2.
Variant type: Microsatellite.
Coding change: c.50551+4_50551+7del on transcript NM_001267550.2 (MANE Select); bases 4 to 7 of the intron after coding-DNA position 50551, 4 bases deleted (AGTA; older notation c.50551+4_50551+7delAGTA).
Molecular consequence: splice donor variant.
Genome position (GRCh38, 1-based): chr2:178,611,751-178,611,754, TACT deleted on the plus strand (AGTA on the coding strand, the reverse complement: TTN is on the minus strand); deleting any 4 consecutive bases within chr2:178,611,751-178,611,759 gives the same sequence; the c. name uses the placement nearest the transcript's 3' end. VCF-style (leftmost placement, unchanged base first): chr2-178611750-CTACT-C. GRCh37 (hg19) VCF-style: chr2-179476477-CTACT-C.
Other names: c.23356+4_23356+7del (NM_003319.4); c.23932+4_23932+7del (NM_133437.4); c.23731+4_23731+7del (NM_133432.3); c.42847+4_42847+7del (NM_133378.4); c.45628+4_45628+7del (NM_001256850.1).
Identifiers: ClinVar variation 4527188 (VCV004527188.1).